The following is an entry in ClinVar:

ClinVar aggregate classification (germline): Uncertain significance. Review status: criteria provided, multiple submitters, no conflicts (2 of 4 stars). 5 submissions from 5 submitters: Uncertain significance (4). 1 of the submissions does not count toward it. Last evaluated 2023-04-19.

Conditions:
Carnitine palmitoyl transferase 1A deficiency. Also called: Carnitine palmitoyltransferase type I deficiency; CPT I DEFICIENCY; CPT DEFICIENCY, HEPATIC, TYPE I; CPT deficiency, hepatic, type IA; Carnitine palmitoyltransferase 1A deficiency. Identifiers: Orphanet 156, MedGen C1829703, MONDO:0009705, OMIM 255120.
CPT1A-related disorder. Also called: CPT1A-related condition.
Inborn genetic diseases. Identifiers: MedGen C0950123, MeSH D030342.

Allele frequency attached by ClinVar (database versions not stated): gnomAD 0.00001 and 0.00002; gnomAD exomes 0.00002; TOPMed 0.00002; ExAC 0.00004.
gnomAD v4.1: 57 of 1,614,096 alleles (0.0035%); highest among the groups gnomAD compares: East Asian, 0.042%; no homozygotes.

Submissions (5):

Ambry Genetics
Classification: Uncertain significance for Inborn genetic diseases. Last evaluated: 2023-04-19. Review status: criteria provided, single submitter. Criteria: Ambry Variant Classification Scheme 2023. Collection method: clinical testing. Allele origin: germline.

PreventionGenetics, part of Exact Sciences
Classification: Uncertain significance for CPT1A-related condition. Last evaluated: 2023-02-07. Review status: criteria provided, single submitter. Criteria: ACMG Guidelines, 2015. Collection method: clinical testing. Allele origin: germline.
Comment: The CPT1A c.263A>G variant is predicted to result in the amino acid substitution p.Asn88Ser. To our knowledge, this variant has not been reported in the literature. This variant is reported in 0.011% of alleles in individuals of Latino descent in gnomAD. At this time, the clinical significance of this variant is uncertain due to the absence of conclusive functional and genetic evidence.

Fulgent Genetics
Classification: Uncertain significance for Carnitine palmitoyl transferase 1A deficiency. Last evaluated: 2022-03-08. Review status: criteria provided, single submitter. Criteria: ACMG Guidelines, 2015. Collection method: clinical testing. Allele origin: unknown.

Labcorp Genetics (formerly Invitae), Labcorp
Classification: Uncertain significance for Carnitine palmitoyl transferase 1A deficiency. Last evaluated: 2021-11-28. Review status: criteria provided, single submitter. Criteria: Invitae Variant Classification Sherloc (09022015). Collection method: clinical testing. Allele origin: germline.
Comment: This sequence change replaces asparagine, which is neutral and polar, with serine, which is neutral and polar, at codon 88 of the CPT1A protein (p.Asn88Ser). This variant is present in population databases (rs781040444, gnomAD 0.01%). This variant has not been reported in the literature in individuals affected with CPT1A-related conditions. ClinVar contains an entry for this variant (Variation ID: 990122). Algorithms developed to predict the effect of missense changes on protein structure and function output the following: SIFT: "Tolerated"; PolyPhen-2: "Benign"; Align-GVGD: "Class C0". The serine amino acid residue is found in multiple mammalian species, which suggests that this missense change does not adversely affect protein function. In summary, the available evidence is currently insufficient to determine the role of this variant in disease. Therefore, it has been classified as a Variant of Uncertain Significance.

Natera, Inc.
Classification: Uncertain significance for Carnitine palmitoyltransferase type I deficiency. Last evaluated: 2020-04-16. Review status: no assertion criteria provided. Collection method: clinical testing. Allele origin: germline. Not counted in ClinVar's aggregate classification.

NM_001876.4(CPT1A):c.263A>G (p.Asn88Ser)

Gene: CPT1A (carnitine palmitoyltransferase 1A; minus strand). Cytogenetic location: 11q13.3.
Variant type: single nucleotide variant.
Coding change: c.263A>G on transcript NM_001876.4 (MANE Select); coding-DNA position 263, A replaced by G.
Protein change: p.Asn88Ser; replaces asparagine 88 with serine.
Molecular consequence: missense variant.
Genome position (GRCh38, 1-based): chr11:68,812,455, T>C on the plus strand (A>G on the coding strand, the complement: CPT1A is on the minus strand). VCF-style: chr11-68812455-T-C. GRCh37 (hg19) VCF-style: chr11-68579923-T-C.
Other names: c.263A>G (NM_001876.3); c.263A>G, p.Asn88Ser (NM_001031847.3); short protein forms N88S.
Identifiers: ClinVar variation 990122 (VCV000990122.7), dbSNP rs781040444, ClinGen allele CA6152735.